The following is an entry in ClinVar:

NM_170601.5(SIAE):c.275G>C (p.Gly92Ala)

Gene: SIAE (sialic acid acetylesterase; minus strand). Cytogenetic location: 11q24.2.
Variant type: single nucleotide variant.
Coding change: c.275G>C on transcript NM_170601.5 (MANE Select); coding-DNA position 275, G replaced by C.
Protein change: p.Gly92Ala; replaces glycine 92 with alanine.
Molecular consequence: missense variant.
Genome position (GRCh38, 1-based): chr11:124,660,758, C>G on the plus strand (G>C on the coding strand, the complement: SIAE is on the minus strand). VCF-style: chr11-124660758-C-G. GRCh37 (hg19) VCF-style: chr11-124530654-C-G.
Other names: c.170G>C, p.Gly57Ala (NM_001199922.2); short protein forms G57A, G92A.
Identifiers: ClinVar variation 4768252 (VCV004768252.1).
Genomic context (GRCh38, chr11:124,660,758, plus strand): 5'-ACTCTCAGGGTGAAGTTTATTTTCTCCAAAGTCTGTTGTGCCATCACTTCGAAAGGTCCT[C>G]CAGGCTTCATAGGATCCAGTACCACCATCCACGTATCAGAGTGAGCTGAAATAGTAACAG-3'
Protein context (NP_733746.1, residues 82-102): WMVVLDPMKP[Gly92Ala]GPFEVMAQQT

ClinVar aggregate classification (germline): Uncertain significance (1 of 4 stars; one submission).

Submission:

Labcorp Genetics (formerly Invitae), Labcorp
Classification: Uncertain significance. Last evaluated: 2026-01-27. Review status: criteria provided, single submitter. Criteria: Invitae Variant Classification Sherloc (09022015). Collection method: clinical testing. Allele origin: germline.
Comment: This sequence change replaces glycine, which is neutral and non-polar, with alanine, which is neutral and non-polar, at codon 92 of the SIAE protein (p.Gly92Ala). This variant is not present in population databases (gnomAD no frequency). This variant has not been reported in the literature in individuals affected with SIAE-related conditions. An algorithm developed to predict the effect of missense changes on protein structure and function (PolyPhen-2) suggests that this variant is likely to be disruptive. In summary, the available evidence is currently insufficient to determine the role of this variant in disease. Therefore, it has been classified as a Variant of Uncertain Significance.